The following is an entry in ClinVar:

NM_007373.4(SHOC2):c.1365A>G (p.Leu455=)

Gene: SHOC2 (SHOC2 leucine rich repeat scaffold protein; plus strand). Cytogenetic location: 10q25.2.
Variant type: single nucleotide variant.
Coding change: c.1365A>G on transcript NM_007373.4 (MANE Select); coding-DNA position 1365, A replaced by G.
Protein change: p.Leu455=; no amino-acid change (leucine 455 retained).
Molecular consequence: synonymous variant. On other transcripts: non-coding transcript variant (1).
Genome position (GRCh38, 1-based): chr10:111,009,328, A>G. VCF-style: chr10-111009328-A-G. GRCh37 (hg19) VCF-style: chr10-112769086-A-G.
Other names: c.1365A>G, p.Leu455= (NM_001324337.2, NM_001324336.2); c.1227A>G, p.Leu409= (NM_001269039.3).
Identifiers: ClinVar variation 2640836 (VCV002640836.24), dbSNP rs763368038, ClinGen allele CA5689759.
Genomic context (GRCh38, chr10:111,009,328, plus strand): 5'-TCTTCTAAAGAAGCTTCCCCATGGTCTTGGAAACCTTAGGAAGTTAAGAGAGTTGGATCT[A>G]GAAGAGAACAAATTGGAATCCTTGCCAAATGAAATTGCATATCTTAAGGATTTACAGGTA-3'
Protein context (NP_031399.2, residues 445-465): GNLRKLRELD[Leu455=]EENKLESLPN

ClinVar aggregate classification (germline): Likely benign (1 of 4 stars; one submission).

Allele frequency attached by ClinVar (database versions not stated): gnomAD exomes below 0.00001; ExAC 0.00001.
gnomAD v4.1: 2 of 1,606,642 alleles (0.00012%); highest among the groups gnomAD compares: African/African-American, 0.0013%; no homozygotes.

Submission:

CeGaT Center for Human Genetics Tuebingen
Classification: Likely benign. Last evaluated: 2023-02-01. Review status: criteria provided, single submitter. Criteria: CeGaT Center For Human Genetics Tuebingen Variant Classification Criteria Version 2. Collection method: clinical testing. Allele origin: germline. Affected: yes. Observed: 1 variant allele.
Comment: SHOC2: PM2:Supporting, BP4, BP7